The following is an entry in ClinVar:

ClinVar aggregate classification (germline): Uncertain significance (1 of 4 stars; one submission).

Conditions:
Von Hippel-Lindau syndrome (VHLS). Also called: VHL syndrome; Von Hippel-Lindau; von Hippel–Lindau syndrome. Identifiers: Orphanet 892, MedGen C0019562, MONDO:0008667, OMIM 193300. Disease mechanism: loss of function.
Chuvash polycythemia. Also called: POLYCYTHEMIA, VHL-DEPENDENT. Identifiers: Orphanet 238557, MedGen C1837915, MONDO:0009892, OMIM 263400.

Allele frequency attached by ClinVar (database versions not stated): TOPMed below 0.00001.

Submission:

Labcorp Genetics (formerly Invitae), Labcorp
Classification: Uncertain significance for Von Hippel-Lindau syndrome; Chuvash polycythemia. Last evaluated: 2025-10-29. Review status: criteria provided, single submitter. Criteria: Invitae Variant Classification Sherloc (09022015). Collection method: clinical testing. Allele origin: germline.
Comment: This sequence change replaces aspartic acid, which is acidic and polar, with glutamic acid, which is acidic and polar, at codon 92 of the VHL protein (p.Asp92Glu). This variant is not present in population databases (gnomAD no frequency). This variant has not been reported in the literature in individuals affected with VHL-related conditions. ClinVar contains an entry for this variant (Variation ID: 940102). An algorithm developed to predict the effect of missense changes on protein structure and function outputs the following: PolyPhen-2: "Benign". The glutamic acid amino acid residue is found in multiple mammalian species, which suggests that this missense change does not adversely affect protein function. In summary, the available evidence is currently insufficient to determine the role of this variant in disease. Therefore, it has been classified as a Variant of Uncertain Significance.

NM_000551.4(VHL):c.276C>G (p.Asp92Glu)

Gene: VHL (von Hippel-Lindau tumor suppressor; plus strand). Cytogenetic location: 3p25.3.
Variant type: single nucleotide variant.
Coding change: c.276C>G on transcript NM_000551.4 (MANE Select); coding-DNA position 276, C replaced by G.
Protein change: p.Asp92Glu; replaces aspartic acid 92 with glutamic acid.
Molecular consequence: missense variant.
Genome position (GRCh38, 1-based): chr3:10,142,123, C>G. VCF-style: chr3-10142123-C-G. GRCh37 (hg19) VCF-style: chr3-10183807-C-G.
Other names: c.276C>G, p.Asp92Glu (NM_001354723.2, NM_198156.3); short protein forms D92E.
Identifiers: ClinVar variation 940102 (VCV000940102.10), dbSNP rs1442093467, ClinGen allele CA351750775.